The following is an entry in ClinVar:

NM_007294.4(BRCA1):c.5502C>G (p.Thr1834=)

Gene: BRCA1 (BRCA1 DNA repair associated; minus strand). Cytogenetic location: 17q21.31.
Variant type: single nucleotide variant.
Coding change: c.5502C>G on transcript NM_007294.4 (MANE Select); coding-DNA position 5502, C replaced by G.
Protein change: p.Thr1834=; no amino-acid change (threonine 1834 retained).
Molecular consequence: synonymous variant. On other transcripts: 3 prime UTR variant (17).
Genome position (GRCh38, 1-based): chr17:43,045,768, G>C on the plus strand (C>G on the coding strand, the complement: BRCA1 is on the minus strand). VCF-style: chr17-43045768-G-C. GRCh37 (hg19) VCF-style: chr17-41197785-G-C.
Other names: c.5289C>G, p.Thr1763= (NM_001407571.1, NM_001407894.1, NM_001407895.1 and 12 more transcripts); c.5568C>G, p.Thr1856= (NM_001407581.1, NM_001407582.1); c.5565C>G, p.Thr1855= (NM_001407583.1, NM_001407585.1, NM_001407587.1 and 1 more transcripts); c.5562C>G, p.Thr1854= (NM_001407590.1, NM_001407591.1); c.5502C>G, p.Thr1834= (NM_001407593.1, NM_001407594.1, NM_001407596.1 and 5 more transcripts); c.5499C>G, p.Thr1833= (NM_001407610.1, NM_001407611.1, NM_001407612.1 and 14 more transcripts); c.5496C>G, p.Thr1832= (NM_001407627.1, NM_001407628.1, NM_001407629.1 and 13 more transcripts); c.5493C>G, p.Thr1831= (NM_001407644.1, NM_001407645.1); and 74 more.
Identifiers: ClinVar variation 864943 (VCV000864943.3), dbSNP rs1057520459, ClinGen allele CA500142915.

Conditions:
Breast-ovarian cancer, familial, susceptibility to, 1 (BROVCA1). Also called: BRCA1 Hereditary Breast and Ovarian Cancer; OVARIAN CANCER, SUSCEPTIBILITY TO. Identifiers: Orphanet 145, MedGen C2676676, MONDO:0011450, OMIM 604370. Disease mechanism: loss of function.

Submission:

Brotman Baty Institute, University of Washington
No classification provided (evidence only). Condition: Breast-ovarian cancer, familial 1. Review status: no classification provided. Collection method: in vitro. Allele origin: not applicable. Functional consequence: functionally_normal.
ClinVar note: "not provided" was previously submitted as the classification for the variant. However, the classification appeared to be based only on an observation of functional data so it was converted to no classification on 2025-07-30.